The following is an entry in ClinVar:

NM_006662.3(SRCAP):c.2353C>G (p.Leu785Val)

Gene: SRCAP (Snf2 related CREBBP activator protein; plus strand). Cytogenetic location: 16p11.2.
Variant type: single nucleotide variant.
Coding change: c.2353C>G on transcript NM_006662.3 (MANE Select); coding-DNA position 2353, C replaced by G.
Protein change: p.Leu785Val; replaces leucine 785 with valine.
Molecular consequence: missense variant.
Genome position (GRCh38, 1-based): chr16:30,713,571, C>G. VCF-style: chr16-30713571-C-G. GRCh37 (hg19) VCF-style: chr16-30724892-C-G.
Other names: c.2353C>G (NM_006662.2); short protein forms L785V.
Identifiers: ClinVar variation 1345868 (VCV001345868.7), dbSNP rs759555906, ClinGen allele CA8011201.

ClinVar aggregate classification (germline): Uncertain significance. Review status: criteria provided, multiple submitters, no conflicts (2 of 4 stars). 2 submissions from 2 submitters: Uncertain significance (2). Last evaluated 2026-04-27.

Conditions:
Inborn genetic diseases. Identifiers: MedGen C0950123, MeSH D030342.

Allele frequency attached by ClinVar (database versions not stated): ExAC 0.00001; gnomAD 0.00001; TOPMed 0.00001; gnomAD exomes below 0.00001.
gnomAD v4.1: 16 of 1,614,094 alleles (0.00099%); highest among the groups gnomAD compares: Non-Finnish European, 0.0014%; no homozygotes.

Submissions (2):

Ambry Genetics
Classification: Uncertain significance for Inborn genetic diseases. Last evaluated: 2026-04-27. Review status: criteria provided, single submitter. Criteria: Ambry Variant Classification Scheme 2023. Collection method: clinical testing. Allele origin: germline.
Comment: The c.2353C>G (p.L785V) alteration is located in exon 16 (coding exon 14) of the SRCAP gene. This alteration results from a C to G substitution at nucleotide position 2353, causing the leucine (L) at amino acid position 785 to be replaced by a valine (V). Based on data from gnomAD, the G allele has an overall frequency of 0.001% (2/282880) total alleles studied. The highest observed frequency was 0.002% (2/129184) of European (non-Finnish) alleles. Based on insufficient or conflicting evidence, the clinical significance of this alteration remains unclear.

Labcorp Genetics (formerly Invitae), Labcorp
Classification: Uncertain significance. Last evaluated: 2022-06-13. Review status: criteria provided, single submitter. Criteria: Invitae Variant Classification Sherloc (09022015). Collection method: clinical testing. Allele origin: germline.
Comment: Algorithms developed to predict the effect of sequence changes on RNA splicing suggest that this variant may create or strengthen a splice site. In summary, the available evidence is currently insufficient to determine the role of this variant in disease. Therefore, it has been classified as a Variant of Uncertain Significance. Algorithms developed to predict the effect of missense changes on protein structure and function are either unavailable or do not agree on the potential impact of this missense change (SIFT: "Deleterious"; PolyPhen-2: "Not Available"; Align-GVGD: "Class C25"). This sequence change replaces leucine, which is neutral and non-polar, with valine, which is neutral and non-polar, at codon 785 of the SRCAP protein (p.Leu785Val). This variant is present in population databases (rs759555906, gnomAD 0.002%). This variant has not been reported in the literature in individuals affected with SRCAP-related conditions.